The following is an entry in ClinVar:

NM_001371596.2(MFSD8):c.1103A>G (p.Asp368Gly)

Gene: MFSD8 (major facilitator superfamily domain containing 8; minus strand). Cytogenetic location: 4q28.2.
Variant type: single nucleotide variant.
Coding change: c.1103A>G on transcript NM_001371596.2 (MANE Select); coding-DNA position 1103, A replaced by G.
Protein change: p.Asp368Gly; replaces aspartic acid 368 with glycine.
Molecular consequence: missense variant. On other transcripts: synonymous variant (1).
Genome position (GRCh38, 1-based): chr4:127,921,771, T>C on the plus strand (A>G on the coding strand, the complement: MFSD8 is on the minus strand). VCF-style: chr4-127921771-T-C. GRCh37 (hg19) VCF-style: chr4-128842926-T-C.
Other names: c.902A>G, p.Asp301Gly (NM_001363520.3); c.788A>G, p.Asp263Gly (NM_001363521.3); c.968A>G, p.Asp323Gly (NM_001371590.2); c.1103A>G, p.Asp368Gly (NM_001371591.2, NM_152778.4); c.1109A>G, p.Asp370Gly (NM_001371592.2); c.989A>G, p.Asp330Gly (NM_001371593.2); c.956A>G, p.Asp319Gly (NM_001371594.2); c.821A>G, p.Asp274Gly (NM_001371595.1); and 2 more; short protein forms D263G, D330G, D368G, D370G, D218G, D274G, D301G, D319G.
Identifiers: ClinVar variation 2008081 (VCV002008081.1), dbSNP rs2546047407, ClinGen allele CA358171547.

ClinVar aggregate classification (germline): Uncertain significance (1 of 4 stars; one submission).

Conditions:
Neuronal ceroid lipofuscinosis 7 (CLN7). Also called: MFSD8-Related Neuronal Ceroid-Lipofuscinosis. Identifiers: Orphanet 168491, Orphanet 228366, MedGen C1838571, MONDO:0012588, OMIM 610951.

Submission:

Labcorp Genetics (formerly Invitae), Labcorp
Classification: Uncertain significance for Neuronal ceroid lipofuscinosis 7. Last evaluated: 2022-06-18. Review status: criteria provided, single submitter. Criteria: Invitae Variant Classification Sherloc (09022015). Collection method: clinical testing. Allele origin: germline.
Comment: This sequence change replaces aspartic acid, which is acidic and polar, with glycine, which is neutral and non-polar, at codon 368 of the MFSD8 protein (p.Asp368Gly). This variant is not present in population databases (gnomAD no frequency). This variant has not been reported in the literature in individuals affected with MFSD8-related conditions. Algorithms developed to predict the effect of missense changes on protein structure and function output the following: SIFT: "Tolerated"; PolyPhen-2: "Benign"; Align-GVGD: "Class C0". The glycine amino acid residue is found in multiple mammalian species, which suggests that this missense change does not adversely affect protein function. In summary, the available evidence is currently insufficient to determine the role of this variant in disease. Therefore, it has been classified as a Variant of Uncertain Significance.